The following is an entry in ClinVar:

NM_001184.4(ATR):c.3728A>G (p.Asp1243Gly)

Gene: ATR (ATR checkpoint kinase; minus strand). Cytogenetic location: 3q23.
Variant type: single nucleotide variant.
Coding change: c.3728A>G on transcript NM_001184.4 (MANE Select); coding-DNA position 3728, A replaced by G.
Protein change: p.Asp1243Gly; replaces aspartic acid 1243 with glycine.
Molecular consequence: missense variant.
Genome position (GRCh38, 1-based): chr3:142,536,199, T>C on the plus strand (A>G on the coding strand, the complement: ATR is on the minus strand). VCF-style: chr3-142536199-T-C. GRCh37 (hg19) VCF-style: chr3-142255041-T-C.
Other names: c.3536A>G, p.Asp1179Gly (NM_001354579.2); short protein forms D1179G, D1243G.
Identifiers: ClinVar variation 1734345 (VCV001734345.2), dbSNP rs748735097, ClinGen allele CA2650011.

ClinVar aggregate classification (germline): Uncertain significance (1 of 4 stars; one submission).

Conditions:
Inborn genetic diseases. Identifiers: MedGen C0950123, MeSH D030342.

Allele frequency attached by ClinVar (database versions not stated): ExAC 0.00001.
gnomAD v4.1: 6 of 1,553,294 alleles (0.00039%); highest among the groups gnomAD compares: East Asian, 0.014%; no homozygotes.

Submission:

Ambry Genetics
Classification: Uncertain significance for Inborn genetic diseases. Last evaluated: 2022-10-04. Review status: criteria provided, single submitter. Criteria: Ambry Variant Classification Scheme 2023. Collection method: clinical testing. Allele origin: germline.
Comment: The p.D1243G variant (also known as c.3728A>G), located in coding exon 20 of the ATR gene, results from an A to G substitution at nucleotide position 3728. The aspartic acid at codon 1243 is replaced by glycine, an amino acid with similar properties. This amino acid position is conserved. In addition, this alteration is predicted to be tolerated by in silico analysis. Since supporting evidence is limited at this time, the clinical significance of this alteration remains unclear.